The following is an entry in ClinVar:

NM_001353694.2(TIAM1):c.4198A>T (p.Arg1400Ter)

Gene: TIAM1 (TIAM Rac1 associated GEF 1; minus strand). Cytogenetic location: 21q22.11.
Variant type: single nucleotide variant.
Coding change: c.4198A>T on transcript NM_001353694.2 (MANE Select); coding-DNA position 4198, A replaced by T.
Protein change: p.Arg1400Ter; replaces arginine 1400 with a stop codon.
Molecular consequence: nonsense.
Genome position (GRCh38, 1-based): chr21:31,124,630, T>A on the plus strand (A>T on the coding strand, the complement: TIAM1 is on the minus strand). VCF-style: chr21-31124630-T-A. GRCh37 (hg19) VCF-style: chr21-32496948-T-A.
Other names: c.1297A>T, p.Arg433Ter (NM_001353684.2); c.1222A>T, p.Arg408Ter (NM_001353685.2); c.4123A>T, p.Arg1375Ter (NM_001353686.2, NM_001353687.2); c.4198A>T, p.Arg1400Ter (NM_001353688.1, NM_001353689.1, NM_001353690.1 and 4 more transcripts); short protein forms R1375*, R433*, R1400*, R408*.
Identifiers: ClinVar variation 5006409 (VCV005006409.2).

ClinVar aggregate classification (germline): Uncertain significance (1 of 4 stars; one submission).

Conditions:
Neurodevelopmental disorder with language delay and seizures (NEDLDS). Identifiers: MedGen C5676998, MONDO:0859256, OMIM 619908.

Submission:

Juno Genomics, Hangzhou Juno Genomics, Inc
Classification: Uncertain significance for Neurodevelopmental disorder with language delay and seizures. Review status: criteria provided, single submitter. Criteria: ACMG Guidelines, 2015. Collection method: clinical testing. Allele origin: germline.
Comment: Absent from controls (or at extremely low frequency if recessive) in Genome Aggregation Database.